The following is an entry in ClinVar:

NM_005585.5(SMAD6):c.37C>T (p.Leu13Phe)

Gene: SMAD6 (SMAD family member 6; plus strand). Cytogenetic location: 15q22.31.
Variant type: single nucleotide variant.
Coding change: c.37C>T on transcript NM_005585.5 (MANE Select); coding-DNA position 37, C replaced by T.
Protein change: p.Leu13Phe; replaces leucine 13 with phenylalanine.
Molecular consequence: missense variant. On other transcripts: non-coding transcript variant (1).
Genome position (GRCh38, 1-based): chr15:66,703,295, C>T. VCF-style: chr15-66703295-C-T. GRCh37 (hg19) VCF-style: chr15-66995633-C-T.
Other names: c.37C>T (NM_005585.4); short protein forms L13F.
Identifiers: ClinVar variation 3716898 (VCV003716898.3).

ClinVar aggregate classification (germline): Uncertain significance. Review status: criteria provided, multiple submitters, no conflicts (2 of 4 stars). 2 submissions from 2 submitters: Uncertain significance (2). Last evaluated 2025-06-28.

Conditions:
Inborn genetic diseases. Identifiers: MedGen C0950123, MeSH D030342.
Aortic valve disease 2 (AOVD2). Identifiers: MedGen C3542024, MONDO:0013902, OMIM 614823.

gnomAD v4.1: 5 of 1,491,228 alleles (0.00034%); highest among the groups gnomAD compares: Non-Finnish European, 0.00045%; no homozygotes.

Submissions (2):

Ambry Genetics
Classification: Uncertain significance for Inborn genetic diseases. Last evaluated: 2025-06-28. Review status: criteria provided, single submitter. Criteria: Ambry Variant Classification Scheme 2023. Collection method: clinical testing. Allele origin: germline.
Comment: The p.L13F variant (also known as c.37C>T), located in coding exon 1 of the SMAD6 gene, results from a C to T substitution at nucleotide position 37. The leucine at codon 13 is replaced by phenylalanine, an amino acid with highly similar properties. This amino acid position is conserved. In addition, the in silico prediction for this alteration is inconclusive. Based on the available evidence, the clinical significance of this variant remains unclear.

Labcorp Genetics (formerly Invitae), Labcorp
Classification: Uncertain significance for Aortic valve disease 2. Last evaluated: 2024-08-31. Review status: criteria provided, single submitter. Criteria: Invitae Variant Classification Sherloc (09022015). Collection method: clinical testing. Allele origin: germline.
Comment: This sequence change replaces leucine, which is neutral and non-polar, with phenylalanine, which is neutral and non-polar, at codon 13 of the SMAD6 protein (p.Leu13Phe). This variant is not present in population databases (gnomAD no frequency). This variant has not been reported in the literature in individuals affected with SMAD6-related conditions. An algorithm developed to predict the effect of missense changes on protein structure and function (PolyPhen-2) suggests that this variant is likely to be disruptive. In summary, the available evidence is currently insufficient to determine the role of this variant in disease. Therefore, it has been classified as a Variant of Uncertain Significance.